The following is an entry in ClinVar:

NM_199420.4(POLQ):c.3376A>T (p.Ile1126Leu)

Gene: POLQ (DNA polymerase theta; minus strand). Cytogenetic location: 3q13.33.
Variant type: single nucleotide variant.
Coding change: c.3376A>T on transcript NM_199420.4 (MANE Select); coding-DNA position 3376, A replaced by T.
Protein change: p.Ile1126Leu; replaces isoleucine 1126 with leucine.
Molecular consequence: missense variant.
Genome position (GRCh38, 1-based): chr3:121,489,555, T>A on the plus strand (A>T on the coding strand, the complement: POLQ is on the minus strand). VCF-style: chr3-121489555-T-A. GRCh37 (hg19) VCF-style: chr3-121208402-T-A.
Other names: short protein forms I1126L.
Identifiers: ClinVar variation 2448986 (VCV002448986.2), dbSNP rs1311544229, ClinGen allele CA354100383.
Genomic context (GRCh38, chr3:121,489,555, plus strand): 5'-CATTTTTACTCTGAGATCCTGTGACAATATGCTCCACAAAATTATCATTAGTTAGTGTTA[T>A]GTTCCATGAACAATTTTGCTTTATTTGTAATGGGAATGATGTTTTATTATCTTTTTCCTT-3'
Protein context (NP_955452.3, residues 1116-1136): LQIKQNCSWN[Ile1126Leu]TLTNDNFVEH

ClinVar aggregate classification (germline): Uncertain significance (1 of 4 stars; one submission).

Submission:

Ambry Genetics
Classification: Uncertain significance. Last evaluated: 2023-01-22. Review status: criteria provided, single submitter. Criteria: Ambry Variant Classification Scheme 2023. Collection method: clinical testing. Allele origin: germline.
Comment: The p.I1126L variant (also known as c.3376A>T), located in coding exon 16 of the POLQ gene, results from an A to T substitution at nucleotide position 3376. The isoleucine at codon 1126 is replaced by leucine, an amino acid with highly similar properties. This amino acid position is conserved. In addition, this alteration is predicted to be tolerated by in silico analysis. Since supporting evidence is limited at this time, the clinical significance of this alteration remains unclear.